The following is an entry in ClinVar:

NM_014141.6(CNTNAP2):c.836T>C (p.Val279Ala)

Gene: CNTNAP2 (contactin associated protein 2; plus strand). Cytogenetic location: 7q35.
Variant type: single nucleotide variant.
Coding change: c.836T>C on transcript NM_014141.6 (MANE Select); coding-DNA position 836, T replaced by C.
Protein change: p.Val279Ala; replaces valine 279 with alanine.
Molecular consequence: missense variant.
Genome position (GRCh38, 1-based): chr7:147,121,060, T>C. VCF-style: chr7-147121060-T-C. GRCh37 (hg19) VCF-style: chr7-146818152-T-C.
Other names: short protein forms V279A.
Identifiers: ClinVar variation 1509558 (VCV001509558.8), dbSNP rs1436647944, ClinGen allele CA369923887.
Genomic context (GRCh38, chr7:147,121,060, plus strand): 5'-TATATGGCCACACATCAGTGATGACAGGAAGTTTGCTGGATGACCACCACTGGCACTCTG[T>C]GGTCATTGAGCGCCAGGGGCGGAGCATTAACCTCACTCTGGACAGGAGCATGCAGCACTT-3'
Protein context (NP_054860.1, residues 269-289): SLLDDHHWHS[Val279Ala]VIERQGRSIN

ClinVar aggregate classification (germline): Uncertain significance (1 of 4 stars; one submission).

Conditions:
Cortical dysplasia-focal epilepsy syndrome (PTHSL1). Also called: Pitt-Hopkins-like syndrome 1. Identifiers: Orphanet 163681, Orphanet 221150, MedGen C2750246, MONDO:0012400, OMIM 610042.

Allele frequency attached by ClinVar (database versions not stated): TOPMed below 0.00001.

Submission:

Labcorp Genetics (formerly Invitae), Labcorp
Classification: Uncertain significance for Cortical dysplasia-focal epilepsy syndrome. Last evaluated: 2020-10-29. Review status: criteria provided, single submitter. Criteria: Invitae Variant Classification Sherloc (09022015). Collection method: clinical testing. Allele origin: germline.
Comment: In summary, the available evidence is currently insufficient to determine the role of this variant in disease. Therefore, it has been classified as a Variant of Uncertain Significance. Algorithms developed to predict the effect of missense changes on protein structure and function are either unavailable or do not agree on the potential impact of this missense change (SIFT: "Deleterious"; PolyPhen-2: "Probably Damaging"; Align-GVGD: "Class C0"). This variant has not been reported in the literature in individuals with CNTNAP2-related conditions. This variant is not present in population databases (ExAC no frequency). This sequence change replaces valine with alanine at codon 279 of the CNTNAP2 protein (p.Val279Ala). The valine residue is moderately conserved and there is a small physicochemical difference between valine and alanine.